The following is an entry in ClinVar:

ClinVar aggregate classification (germline): Uncertain significance (1 of 4 stars; one submission).

Conditions:
Usher syndrome type 1F (USH1F). Also called: USHER SYNDROME, TYPE IF. Identifiers: Orphanet 231169, Orphanet 886, MedGen C1865885, MONDO:0011186, OMIM 602083.

Submission:

Foundation for Research in Genetics and Endocrinology, FRIGE's Institute of Human Genetics
Classification: Uncertain significance for Usher syndrome type 1F. Review status: criteria provided, single submitter. Criteria: ACMG Guidelines, 2015. Collection method: clinical testing. Allele origin: germline. Inheritance: Autosomal dominant inheritance. Affected: yes. Observed: 1 heterozygote.
Comment: A heterozygous missense variation in exon 37 of the PCDH1 gene that results in the amino acid substitution of Aspartic acid for Glutamic acid at codon 1634 was detected. The observed variant c.4902G>C (p.p.Glu1634Asp) has not been reported in the 1000 genomes and gnomAD databases. The in silico prediction of the variant are possibly damaging by SIFT. The reference codon is conserved across species. In summery, the variant meets our criteria to be classified as variant of uncertain significance.

NM_001384140.1(PCDH15):c.4671+1393G>C

Gene: PCDH15 (protocadherin related 15; minus strand). Cytogenetic location: 10q21.1.
Variant type: single nucleotide variant.
Coding change: c.4671+1393G>C on transcript NM_001384140.1 (MANE Select); 1393 bases into the intron after coding-DNA position 4671, G replaced by C.
Molecular consequence: intron variant. On other transcripts: missense variant (2), 3 prime UTR variant (1).
Genome position (GRCh38, 1-based): chr10:53,809,163, C>G on the plus strand (G>C on the coding strand, the complement: PCDH15 is on the minus strand). VCF-style: chr10-53809163-C-G. GRCh37 (hg19) VCF-style: chr10-55568923-C-G.
Other names: p.Glu1634Asp; c.4902G>C, p.Glu1634Asp (NM_001142769.4); c.*317G>C (NM_001142770.3); c.4881G>C, p.Glu1627Asp (NM_001354411.2); c.4476+1393G>C (NM_001354420.2); c.4605+1393G>C (NM_001354429.2); c.4482+1393G>C (NM_001142772.2); c.4497+1393G>C (NM_001142771.2); short protein forms E1627D, E1634D.
Identifiers: ClinVar variation 1704212 (VCV001704212.3), dbSNP rs2492119549, ClinGen allele CA376520109.
Genomic context (GRCh38, chr10:53,809,163, plus strand): 5'-CTCTGTGGATTCCGATTCTTCTGATTCAGGGGTGGAACTCTCCTCCTCCTCAGAGGGTGT[C>G]TCTGACTCAGATTCCTCTTCTGTAGTCTCAGACTCACTGAACTCAGACTCTTCTTCACTG-3'